The following is an entry in ClinVar:

ClinVar aggregate classification (germline): Likely benign. Review status: criteria provided, multiple submitters, no conflicts (2 of 4 stars). 3 submissions from 3 submitters: Likely benign (3). Last evaluated 2026-01-14.

Conditions:
Cardiovascular phenotype. Identifiers: MedGen CN230736.
Familial hypercholesterolemia. Also called: Familial hypercholesterolaemia; Familial hypercholesterolemias. Identifiers: MedGen C0020445, MONDO:0005439.
Familial hypobetalipoproteinemia 1. Also called: Hypobetalipoproteinemia, normotriglyceridemic; Acanthocytosis with hypobetalipoproteinemia; APOB-Related Familial Hypobetalipoproteinemia. Identifiers: MedGen C4551990, MONDO:0014252, OMIM 615558.
Hypercholesterolemia, autosomal dominant, type B (FHCL2). Also called: APOB-Related Familial Hypercholesterolemia, Autosomal Dominant; Familial Hypercholesterolemia Type B; APOLIPOPROTEIN B-100, FAMILIAL DEFECTIVE; APOLIPOPROTEIN B-100, FAMILIAL LIGAND-DEFECTIVE; HYPERCHOLESTEROLEMIA, FAMILIAL, DUE TO LIGAND-DEFECTIVE APOLIPOPROTEIN B; Hyperlipoproteinemia Type IIb. Identifiers: MedGen C1704417, MONDO:0007751, OMIM 144010.

Allele frequency attached by ClinVar (database versions not stated): TOPMed 0.00001.

Submissions (3):

GENinCode PLC
Classification: Likely benign for Familial hypercholesterolemia. Last evaluated: 2026-01-14. Review status: criteria provided, single submitter. Criteria: ACMG Guidelines, 2015. Collection method: clinical testing. Allele origin: germline.
Comment: This is a synonymous (silent) variant that is not predicted to impact splicing and occurs at a nucleotide which is not highly conserved. This variant has been classified as Likely Benign (BP4, BP7).

Ambry Genetics
Classification: Likely benign for Cardiovascular phenotype. Last evaluated: 2025-08-31. Review status: criteria provided, single submitter. Criteria: Ambry Variant Classification Scheme 2023. Collection method: clinical testing. Allele origin: germline.

Labcorp Genetics (formerly Invitae), Labcorp
Classification: Likely benign for Familial hypobetalipoproteinemia 1; Hypercholesterolemia, autosomal dominant, type B. Last evaluated: 2023-12-11. Review status: criteria provided, single submitter. Criteria: Invitae Variant Classification Sherloc (09022015). Collection method: clinical testing. Allele origin: germline.

NM_000384.3(APOB):c.225G>A (p.Arg75=)

Genes: APOB (apolipoprotein B; minus strand), LOC106560211 (APOB 5' regulatory region; plus strand). Cytogenetic location: 2p24.1.
Variant type: single nucleotide variant.
Coding change: c.225G>A on transcript NM_000384.3 (MANE Select); coding-DNA position 225, G replaced by A.
Protein change: p.Arg75=; no amino-acid change (arginine 75 retained).
Molecular consequence: synonymous variant.
Genome position (GRCh38, 1-based): chr2:21,042,373, C>T on the plus strand (G>A on the coding strand, the complement: APOB is on the minus strand). VCF-style: chr2-21042373-C-T. GRCh37 (hg19) VCF-style: chr2-21265245-C-T.
Other names: c.225G>A (NM_000384.2).
Identifiers: ClinVar variation 2949955 (VCV002949955.5), dbSNP rs1014225816, ClinGen allele CA43469045.